The following is an entry in ClinVar:

ClinVar aggregate classification (germline): Uncertain significance (1 of 4 stars; one submission).

Submission:

Labcorp Genetics (formerly Invitae), Labcorp
Classification: Uncertain significance. Last evaluated: 2023-04-06. Review status: criteria provided, single submitter. Criteria: Invitae Variant Classification Sherloc (09022015). Collection method: clinical testing. Allele origin: germline.
Comment: This variant is not present in population databases (gnomAD no frequency). This sequence change replaces glycine, which is neutral and non-polar, with valine, which is neutral and non-polar, at codon 873 of the AHDC1 protein (p.Gly873Val). This variant has not been reported in the literature in individuals affected with AHDC1-related conditions. An algorithm developed to predict the effect of missense changes on protein structure and function (PolyPhen-2) suggests that this variant is likely to be disruptive. In summary, the available evidence is currently insufficient to determine the role of this variant in disease. Therefore, it has been classified as a Variant of Uncertain Significance.

NM_001371928.1(AHDC1):c.2618G>T (p.Gly873Val)

Gene: AHDC1 (AT-hook DNA binding motif containing 1; minus strand). Cytogenetic location: 1p36.11.
Variant type: single nucleotide variant.
Coding change: c.2618G>T on transcript NM_001371928.1 (MANE Select); coding-DNA position 2618, G replaced by T.
Protein change: p.Gly873Val; replaces glycine 873 with valine.
Molecular consequence: missense variant.
Genome position (GRCh38, 1-based): chr1:27,549,498, C>A on the plus strand (G>T on the coding strand, the complement: AHDC1 is on the minus strand). VCF-style: chr1-27549498-C-A. GRCh37 (hg19) VCF-style: chr1-27876009-C-A.
Other names: c.2618G>T, p.Gly873Val (NM_001029882.3); short protein forms G873V.
Identifiers: ClinVar variation 2847467 (VCV002847467.3), dbSNP rs2521927144, ClinGen allele CA339230149.